The following is an entry in ClinVar:

NM_152703.5(SAMD9L):c.367C>G (p.Pro123Ala)

Gene: SAMD9L (sterile alpha motif domain containing 9 like; minus strand). Cytogenetic location: 7q21.2.
Variant type: single nucleotide variant.
Coding change: c.367C>G on transcript NM_152703.5 (MANE Select); coding-DNA position 367, C replaced by G.
Protein change: p.Pro123Ala; replaces proline 123 with alanine.
Molecular consequence: missense variant.
Genome position (GRCh38, 1-based): chr7:93,135,605, G>C on the plus strand (C>G on the coding strand, the complement: SAMD9L is on the minus strand). VCF-style: chr7-93135605-G-C. GRCh37 (hg19) VCF-style: chr7-92764918-G-C.
Other names: c.367C>G, p.Pro123Ala (NM_001303496.3, NM_001303497.3, NM_001303498.3 and 5 more transcripts); short protein forms P123A.
Identifiers: ClinVar variation 1472737 (VCV001472737.6), dbSNP rs916258664, ClinGen allele CA368205839.

ClinVar aggregate classification (germline): Uncertain significance (1 of 4 stars; one submission).

Submission:

Labcorp Genetics (formerly Invitae), Labcorp
Classification: Uncertain significance. Last evaluated: 2023-12-11. Review status: criteria provided, single submitter. Criteria: Invitae Variant Classification Sherloc (09022015). Collection method: clinical testing. Allele origin: germline.
Comment: This sequence change replaces proline, which is neutral and non-polar, with alanine, which is neutral and non-polar, at codon 123 of the SAMD9L protein (p.Pro123Ala). This variant is not present in population databases (gnomAD no frequency). This variant has not been reported in the literature in individuals affected with SAMD9L-related conditions. ClinVar contains an entry for this variant (Variation ID: 1472737). An algorithm developed to predict the effect of missense changes on protein structure and function (PolyPhen-2) suggests that this variant is likely to be tolerated. In summary, the available evidence is currently insufficient to determine the role of this variant in disease. Therefore, it has been classified as a Variant of Uncertain Significance.